The following is an entry in ClinVar:

NM_002834.5(PTPN11):c.470A>G (p.Lys157Arg)

Gene: PTPN11 (protein tyrosine phosphatase non-receptor type 11; plus strand). Cytogenetic location: 12q24.13.
Variant type: single nucleotide variant.
Coding change: c.470A>G on transcript NM_002834.5 (MANE Select); coding-DNA position 470, A replaced by G.
Protein change: p.Lys157Arg; replaces lysine 157 with arginine.
Molecular consequence: missense variant.
Genome position (GRCh38, 1-based): chr12:112,453,332, A>G. VCF-style: chr12-112453332-A-G. GRCh37 (hg19) VCF-style: chr12-112891136-A-G.
Other names: c.470A>G, p.Lys157Arg (NM_001330437.2, NM_080601.3); c.467A>G, p.Lys156Arg (NM_001374625.1); short protein forms K156R, K157R.
Identifiers: ClinVar variation 1024113 (VCV001024113.10), dbSNP rs1315568280, ClinGen allele CA386781562.

ClinVar aggregate classification (germline): Uncertain significance. Review status: criteria provided, multiple submitters, no conflicts (2 of 4 stars). 2 submissions from 2 submitters: Uncertain significance (2). Last evaluated 2025-05-27.

Conditions:
Cardiovascular phenotype. Identifiers: MedGen CN230736.
RASopathy. Also called: Noonan spectrum disorder; rasopathies. Identifiers: Orphanet 536391, MedGen C5555857, MONDO:0021060.

Allele frequency attached by ClinVar (database versions not stated): gnomAD exomes below 0.00001.

Submissions (2):

Labcorp Genetics (formerly Invitae), Labcorp
Classification: Uncertain significance for RASopathy. Last evaluated: 2025-05-27. Review status: criteria provided, single submitter. Criteria: Invitae Variant Classification Sherloc (09022015). Collection method: clinical testing. Allele origin: germline.
Comment: This sequence change replaces lysine, which is basic and polar, with arginine, which is basic and polar, at codon 157 of the PTPN11 protein (p.Lys157Arg). This variant is present in population databases (no rsID available, gnomAD 0.0009%). This variant has not been reported in the literature in individuals affected with PTPN11-related conditions. ClinVar contains an entry for this variant (Variation ID: 1024113). Invitae Evidence Modeling of protein sequence and biophysical properties (such as structural, functional, and spatial information, amino acid conservation, physicochemical variation, residue mobility, and thermodynamic stability) has been performed for this missense variant. However, the output from this modeling did not meet the statistical confidence thresholds required to predict the impact of this variant on PTPN11 protein function. In summary, the available evidence is currently insufficient to determine the role of this variant in disease. Therefore, it has been classified as a Variant of Uncertain Significance.

Ambry Genetics
Classification: Uncertain significance for Cardiovascular phenotype. Last evaluated: 2022-03-28. Review status: criteria provided, single submitter. Criteria: Ambry Variant Classification Scheme 2023. Collection method: clinical testing. Allele origin: germline.
Comment: The p.K157R variant (also known as c.470A>G), located in coding exon 4 of the PTPN11 gene, results from an A to G substitution at nucleotide position 470. The lysine at codon 157 is replaced by arginine, an amino acid with highly similar properties. This amino acid position is highly conserved in available vertebrate species. In addition, the in silico prediction for this alteration is inconclusive. Since supporting evidence is limited at this time, the clinical significance of this alteration remains unclear.